The following is an entry in ClinVar:

NM_000441.2(SLC26A4):c.1231G>C (p.Ala411Pro)

Gene: SLC26A4 (solute carrier family 26 member 4; plus strand). Cytogenetic location: 7q22.3.
Variant type: single nucleotide variant.
Coding change: c.1231G>C on transcript NM_000441.2 (MANE Select); coding-DNA position 1231, G replaced by C.
Protein change: p.Ala411Pro; replaces alanine 411 with proline.
Molecular consequence: missense variant.
Genome position (GRCh38, 1-based): chr7:107,690,205, G>C. VCF-style: chr7-107690205-G-C. GRCh37 (hg19) VCF-style: chr7-107330650-G-C.
Other names: short protein forms A411P.
Identifiers: ClinVar variation 504511 (VCV000504511.16), dbSNP rs1293971731, ClinGen allele CA368839274.

ClinVar aggregate classification (germline): Pathogenic/Likely pathogenic. Review status: criteria provided, multiple submitters, no conflicts (2 of 4 stars). 5 submissions from 5 submitters: Pathogenic (1); Likely pathogenic (4). Last evaluated 2025-02-09.

Conditions:
SLC26A4-related disorder. Also called: SLC26A4-related condition; SLC26A4-related disorders.
Pendred syndrome (PDS). Also called: DEAFNESS WITH GOITER; Pendred's syndrome; Pendred Syndrome (PDS); GOITER-DEAFNESS SYNDROME; HYPOTHYROIDISM, CONGENITAL, DUE TO DYSHORMONOGENESIS, 2B; THYROID DYSHORMONOGENESIS 2B. Identifiers: Orphanet 705, MedGen C0271829, MONDO:0010134, OMIM 274600.
Autosomal recessive nonsyndromic hearing loss 4 (DFNB4). Also called: Enlarged vestibular aqueduct, digenic; FOXI1-Related Pendred Syndrome; KCNJ10-Related Pendred Syndrome; Nonsyndromic enlarged vestibular aqueduct (NSEVA); DEAFNESS, AUTOSOMAL RECESSIVE 4, WITH ENLARGED VESTIBULAR AQUEDUCT, DIGENIC; Deafness, autosomal recessive 4, with enlarged vestibular aqueduct. Identifiers: Orphanet 90636, MedGen C3538946, MONDO:0010933, OMIM 600791.
Rare genetic deafness. Identifiers: Orphanet 96210, MedGen C5680250.

Allele frequency attached by ClinVar (database versions not stated): gnomAD exomes below 0.00001 and 0.00001; TOPMed below 0.00001.
gnomAD v4.1: 2 of 1,611,700 alleles (0.00012%); highest among the groups gnomAD compares: Admixed American, 0.0033%; no homozygotes.

Submissions (5):

Labcorp Genetics (formerly Invitae), Labcorp
Classification: Pathogenic. Last evaluated: 2025-02-09. Review status: criteria provided, single submitter. Criteria: Invitae Variant Classification Sherloc (09022015). Collection method: clinical testing. Allele origin: germline.
Comment: This sequence change replaces alanine, which is neutral and non-polar, with proline, which is neutral and non-polar, at codon 411 of the SLC26A4 protein (p.Ala411Pro). This variant is present in population databases (no rsID available, gnomAD 0.006%). This missense change has been observed in individual(s) with Pendred syndrome (PMID: 11375792; internal data). In at least one individual the data is consistent with being in trans (on the opposite chromosome) from a pathogenic variant. It has also been observed to segregate with disease in related individuals. ClinVar contains an entry for this variant (Variation ID: 504511). Invitae Evidence Modeling of protein sequence and biophysical properties (such as structural, functional, and spatial information, amino acid conservation, physicochemical variation, residue mobility, and thermodynamic stability) indicates that this missense variant is expected to disrupt SLC26A4 protein function with a positive predictive value of 80%. For these reasons, this variant has been classified as Pathogenic.

Natera, Inc.
Classification: Likely pathogenic for Pendred syndrome. Last evaluated: 2024-08-13. Review status: criteria provided, single submitter. Criteria: Natera Variant Classification Schema (03/2026). Collection method: clinical testing. Allele origin: germline.
Comment: The c.1231G>C variant in SLC26A4 is a missense variant predicted to cause substitution of alanine to proline at amino acid 411. This variant is rare in the general population with a frequency below the threshold expected for the associated phenotype(s). This variant has been observed in one or more individuals affected with the associated recessive disease, as either homozygous or compound heterozygous with a second variant (PMID: 11375792). Additionally, this variant has been observed to segregate in affected family members (PMID: 11375792). Functional studies show that this variant may disrupt protein function (PMID: 38474007). Computational prediction algorithms indicate this variant is likely to affect gene or protein function. Given the available evidence, this variant is classified as Likely Pathogenic.

Baylor Genetics
Classification: Likely pathogenic for Autosomal recessive nonsyndromic hearing loss 4. Last evaluated: 2023-08-09. Review status: criteria provided, single submitter. Criteria: ACMG Guidelines, 2015. Collection method: clinical testing. Allele origin: unknown.

Blueprint Genetics
Classification: Likely pathogenic for SLC26A4-related disorders. Last evaluated: 2019-09-24. Review status: criteria provided, single submitter. Criteria: ACMG Guidelines, 2015. Collection method: clinical testing. Allele origin: germline. Affected: yes. Observed: 1 variant allele.

Laboratory for Molecular Medicine, Mass General Brigham Personalized Medicine
Classification: Likely pathogenic for Rare genetic deafness. Last evaluated: 2016-05-02. Review status: criteria provided, single submitter. Criteria: LMM Criteria. Collection method: clinical testing. Allele origin: germline. Observed: 3 variant alleles.
Comment: The p.Ala411Pro variant in SLC26A4 has been reported in the compound heterozygou s state in two Latino siblings with Pendred syndrome (Trevino 2001). It has not been identified in large population studies. In addition, a different amino acid change at this position (p.Ala411Thr) has been reported in individuals with Pen dred syndrome (Courtmans 2007) further suggesting that a change at this location may not be tolerated. Computational prediction tools and conservation analysis suggest that this variant may impact the protein, though this information is not predictive enough to determine pathogenicity. In summary, although additional s tudies are required to fully establish its clinical significance, the p.Ala411Pr o variant is likely pathogenic.

Literature cited by the submitters: PubMed 11375792 (cited by 3 submitters); PubMed 38474007 (cited by Natera, Inc.); PubMed 17125574 (cited by Laboratory for Molecular Medicine, Mass General Brigham Personalized Medicine).